The following is an entry in ClinVar:

NM_021098.3(CACNA1H):c.5874C>T (p.Ala1958=)

Gene: CACNA1H (calcium voltage-gated channel subunit alpha1 H; plus strand). Cytogenetic location: 16p13.3.
Variant type: single nucleotide variant.
Coding change: c.5874C>T on transcript NM_021098.3 (MANE Select); coding-DNA position 5874, C replaced by T.
Protein change: p.Ala1958=; no amino-acid change (alanine 1958 retained).
Molecular consequence: synonymous variant.
Genome position (GRCh38, 1-based): chr16:1,218,638, C>T. VCF-style: chr16-1218638-C-T. GRCh37 (hg19) VCF-style: chr16-1268638-C-T.
Other names: c.5856C>T, p.Ala1952= (NM_001005407.2); c.5874C>T (NM_021098.2).
Identifiers: ClinVar variation 1166206 (VCV001166206.11), dbSNP rs530638249, ClinGen allele CA7802150.

ClinVar aggregate classification (germline): Benign. Review status: criteria provided, single submitter (1 of 4 stars). 2 submissions from 2 submitters: Benign (1). 1 of the submissions does not count toward it. Last evaluated 2025-10-15.

Conditions:
CACNA1H-related disorder.
Idiopathic generalized epilepsy. Also called: EIG; Generalised epilepsy. Identifiers: MedGen C0270850, MONDO:0005579, OMIM 600669.
Hyperaldosteronism, familial, type IV (HALD4). Also called: FH IV; ALDOSTERONISM, PRIMARY, AND HYPERTENSION. Identifiers: Orphanet 642671, MedGen C4310756, MONDO:0014875, OMIM 617027.

Allele frequency attached by ClinVar (database versions not stated): gnomAD 0.00047 and 0.00043; gnomAD exomes 0.00006 and 0.00005; ExAC 0.00027; 1000 Genomes Project 30x 0.00031; 1000 Genomes Project 0.00020.
gnomAD v4.1: 128 of 1,546,200 alleles (0.0083%); highest among the groups gnomAD compares: African/African-American, 0.13%; no homozygotes.

Submissions (2):

Labcorp Genetics (formerly Invitae), Labcorp
Classification: Benign for Idiopathic generalized epilepsy; Hyperaldosteronism, familial, type IV. Last evaluated: 2025-10-15. Review status: criteria provided, single submitter. Criteria: Invitae Variant Classification Sherloc (09022015). Collection method: clinical testing. Allele origin: germline.

PreventionGenetics, part of Exact Sciences
Classification: Likely benign for CACNA1H-related condition. Last evaluated: 2019-07-25. Review status: no assertion criteria provided. Collection method: clinical testing. Allele origin: germline. Not counted in ClinVar's aggregate classification.
Comment: This variant is classified as likely benign based on ACMG/AMP sequence variant interpretation guidelines (Richards et al. 2015 PMID: 25741868, with internal and published modifications).